The following is an entry in ClinVar:

ClinVar aggregate classification (germline): Uncertain significance (1 of 4 stars; one submission).

Conditions:
Fanconi anemia complementation group J. Also called: BRIP1-Related Fanconi Anemia. Identifiers: Orphanet 84, MedGen C1836860, MONDO:0012187, OMIM 609054.
Familial cancer of breast. Also called: hereditary breast carcinoma; BREAST CANCER, FAMILIAL; Hereditary breast cancer. Identifiers: Orphanet 227535, MedGen C0346153, MONDO:0016419, OMIM 114480. Disease mechanism: loss of function.

Submission:

Labcorp Genetics (formerly Invitae), Labcorp
Classification: Uncertain significance for Familial cancer of breast; Fanconi anemia complementation group J. Last evaluated: 2019-06-06. Review status: criteria provided, single submitter. Criteria: Invitae Variant Classification Sherloc (09022015). Collection method: clinical testing. Allele origin: germline.
Comment: This sequence change replaces asparagine with histidine at codon 666 of the BRIP1 protein (p.Asn666His). The asparagine residue is weakly conserved and there is a small physicochemical difference between asparagine and histidine. This variant is not present in population databases (ExAC no frequency). This variant has not been reported in the literature in individuals with BRIP1-related disease. Algorithms developed to predict the effect of missense changes on protein structure and function output the following: SIFT: "Tolerated"; PolyPhen-2: "Benign"; Align-GVGD: "Class C0". The histidine amino acid residue is found in multiple mammalian species, suggesting that this missense change does not adversely affect protein function. These predictions have not been confirmed by published functional studies and their clinical significance is uncertain. In summary, the available evidence is currently insufficient to determine the role of this variant in disease. Therefore, it has been classified as a Variant of Uncertain Significance.

NM_032043.3(BRIP1):c.1996A>C (p.Asn666His)

Gene: BRIP1 (BRCA1 interacting DNA helicase 1; minus strand). Cytogenetic location: 17q23.2.
Variant type: single nucleotide variant.
Coding change: c.1996A>C on transcript NM_032043.3 (MANE Select); coding-DNA position 1996, A replaced by C.
Protein change: p.Asn666His; replaces asparagine 666 with histidine.
Molecular consequence: missense variant.
Genome position (GRCh38, 1-based): chr17:61,776,502, T>G on the plus strand (A>C on the coding strand, the complement: BRIP1 is on the minus strand). VCF-style: chr17-61776502-T-G. GRCh37 (hg19) VCF-style: chr17-59853863-T-G.
Other names: short protein forms N666H.
Identifiers: ClinVar variation 579331 (VCV000579331.11), dbSNP rs765816425, ClinGen allele CA400478413.